The following is an entry in ClinVar:

ClinVar aggregate classification (germline): Uncertain significance (1 of 4 stars; one submission).

Conditions:
Congenital myasthenic syndrome 8. Also called: MYASTHENIC SYNDROME, CONGENITAL, DUE TO AGRIN DEFICIENCY; Myasthenic syndrome, congenital, 8, with pre- and postsynaptic defects. Identifiers: Orphanet 590, MedGen C3808739, MONDO:0014052, OMIM 615120.

Submission:

Labcorp Genetics (formerly Invitae), Labcorp
Classification: Uncertain significance for Congenital myasthenic syndrome 8. Last evaluated: 2024-09-29. Review status: criteria provided, single submitter. Criteria: Invitae Variant Classification Sherloc (09022015). Collection method: clinical testing. Allele origin: germline.
Comment: This sequence change replaces alanine, which is neutral and non-polar, with threonine, which is neutral and polar, at codon 933 of the AGRN protein (p.Ala933Thr). This variant is present in population databases (rs552188603, gnomAD 0.02%). This variant has not been reported in the literature in individuals affected with AGRN-related conditions. An algorithm developed to predict the effect of missense changes on protein structure and function (PolyPhen-2) suggests that this variant is likely to be disruptive. In summary, the available evidence is currently insufficient to determine the role of this variant in disease. Therefore, it has been classified as a Variant of Uncertain Significance.

NM_198576.4(AGRN):c.2797G>A (p.Ala933Thr)

Gene: AGRN (agrin; plus strand). Cytogenetic location: 1p36.33.
Variant type: single nucleotide variant.
Coding change: c.2797G>A on transcript NM_198576.4 (MANE Select); coding-DNA position 2797, G replaced by A.
Protein change: p.Ala933Thr; replaces alanine 933 with threonine.
Molecular consequence: missense variant.
Genome position (GRCh38, 1-based): chr1:1,046,080, G>A. VCF-style: chr1-1046080-G-A. GRCh37 (hg19) VCF-style: chr1-981460-G-A.
Other names: c.2797G>A, p.Ala933Thr (NM_001305275.2); c.2482G>A, p.Ala828Thr (NM_001364727.2); short protein forms A828T, A933T.
Identifiers: ClinVar variation 3617153 (VCV003617153.2).